The following is an entry in ClinVar:

ClinVar aggregate classification (germline): Likely benign (1 of 4 stars; one submission).

Conditions:
Short-rib thoracic dysplasia 15 with polydactyly (SRTD15). Identifiers: MedGen C4310724, MONDO:0014907, OMIM 617088.

gnomAD v4.1: 39 of 1,613,996 alleles (0.0024%); highest among the groups gnomAD compares: South Asian, 0.042%; no homozygotes.

Submission:

Centre for Medical Genetics,  Mumbai
Classification: Likely benign for Short-rib thoracic dysplasia 15 with polydactyly. Last evaluated: 2026-01-20. Review status: criteria provided, single submitter. Criteria: ACMG Guidelines, 2015. Collection method: provider interpretation. Allele origin: germline. Inheritance: Autosomal recessive inheritance. Affected: no. Observed: 1 variant allele, 1 homozygote.
Comment: The variant satisfies PM2 criteria; Extremely low frequency in gnomAD population databases. The variant satisfies BP4 criteria; For a missense or a splice region variant, computational prediction tools unanimously support a benign effect on the gene. However, the variant satisfies BS2 criteria.

Literature cited by the submitters: PubMed 26077881.

NM_016008.4(DYNC2LI1):c.488A>C (p.Asn163Thr)

Gene: DYNC2LI1 (dynein cytoplasmic 2 light intermediate chain 1; plus strand). Cytogenetic location: 2p21.
Variant type: single nucleotide variant.
Coding change: c.488A>C on transcript NM_016008.4 (MANE Select); coding-DNA position 488, A replaced by C.
Protein change: p.Asn163Thr; replaces asparagine 163 with threonine.
Molecular consequence: missense variant.
Genome position (GRCh38, 1-based): chr2:43,794,624, A>C. VCF-style: chr2-43794624-A-C. GRCh37 (hg19) VCF-style: chr2-44021763-A-C.
Other names: c.488A>C, p.Asn163Thr (NM_001193464.2, NM_001348912.2, NM_001348913.2 and 1 more transcripts); short protein forms N163T.
Identifiers: ClinVar variation 4820042 (VCV004820042.1).